The following is an entry in ClinVar:

ClinVar aggregate classification (germline): Uncertain significance (1 of 4 stars; one submission).

Conditions:
Cardiovascular phenotype. Identifiers: MedGen CN230736.

gnomAD v4.1: 2 of 1,354,870 alleles (0.00015%); highest among the groups gnomAD compares: Non-Finnish European, 0.00019%; no homozygotes.

Submission:

Ambry Genetics
Classification: Uncertain significance for Cardiovascular phenotype. Last evaluated: 2026-04-04. Review status: criteria provided, single submitter. Criteria: Ambry Variant Classification Scheme 2023. Collection method: clinical testing. Allele origin: germline.
Comment: The p.T113A variant (also known as c.337A>G), located in coding exon 1 of the HCN4 gene, results from an A to G substitution at nucleotide position 337. The threonine at codon 113 is replaced by alanine, an amino acid with similar properties. This amino acid position is conserved. In addition, this alteration is predicted to be tolerated by in silico analysis. Based on the available evidence, the clinical significance of this variant remains unclear.

NM_005477.3(HCN4):c.337A>G (p.Thr113Ala)

Gene: HCN4 (hyperpolarization activated cyclic nucleotide gated potassium channel 4; minus strand). Cytogenetic location: 15q24.1.
Variant type: single nucleotide variant.
Coding change: c.337A>G on transcript NM_005477.3 (MANE Select); coding-DNA position 337, A replaced by G.
Protein change: p.Thr113Ala; replaces threonine 113 with alanine.
Molecular consequence: missense variant.
Genome position (GRCh38, 1-based): chr15:73,367,934, T>C on the plus strand (A>G on the coding strand, the complement: HCN4 is on the minus strand). VCF-style: chr15-73367934-T-C. GRCh37 (hg19) VCF-style: chr15-73660275-T-C.
Other names: short protein forms T113A.
Identifiers: ClinVar variation 4858305 (VCV004858305.1).
Genomic context (GRCh38, chr15:73,367,934, plus strand): 5'-CGATGAGCCGCCGCTCCTCCGCGGAGTCATGCAGGTGTCCGTGACTGCTGCCGCTCCCCG[T>C]GCCGCCGCTGCCGCCGCCCCGGCTGCCCAGCGAGGCCAGGCTCCCGCGGAAGCGCCTGCA-3'
Protein context (NP_005468.1, residues 103-123): LGSRGGGSGG[Thr113Ala]GSGSSHGHLH